The following is an entry in ClinVar:

ClinVar aggregate classification (germline): Uncertain significance (1 of 4 stars; one submission).

Allele frequency attached by ClinVar (database versions not stated): TOPMed below 0.00001; ExAC 0.00001; gnomAD exomes 0.00001.
gnomAD v4.1: 2 of 1,613,852 alleles (0.00012%); highest among the groups gnomAD compares: East Asian, 0.0022%; no homozygotes.

Submission:

Labcorp Genetics (formerly Invitae), Labcorp
Classification: Uncertain significance. Last evaluated: 2021-09-01. Review status: criteria provided, single submitter. Criteria: Invitae Variant Classification Sherloc (09022015). Collection method: clinical testing. Allele origin: germline.
Comment: This sequence change replaces lysine with asparagine at codon 3748 of the USH2A protein (p.Lys3748Asn). The lysine residue is moderately conserved and there is a moderate physicochemical difference between lysine and asparagine. This variant is present in population databases (rs757908289, ExAC 0.006%). This variant has not been reported in the literature in individuals affected with USH2A-related conditions. Algorithms developed to predict the effect of missense changes on protein structure and function output the following: SIFT: "Deleterious"; PolyPhen-2: "Benign"; Align-GVGD: "Class C0". The asparagine amino acid residue is found in multiple mammalian species, which suggests that this missense change does not adversely affect protein function. In summary, the available evidence is currently insufficient to determine the role of this variant in disease. Therefore, it has been classified as a Variant of Uncertain Significance.

NM_206933.4(USH2A):c.11244G>T (p.Lys3748Asn)

Gene: USH2A (usherin; minus strand). Cytogenetic location: 1q41.
Variant type: single nucleotide variant.
Coding change: c.11244G>T on transcript NM_206933.4 (MANE Select); coding-DNA position 11244, G replaced by T.
Protein change: p.Lys3748Asn; replaces lysine 3748 with asparagine.
Molecular consequence: missense variant.
Genome position (GRCh38, 1-based): chr1:215,758,740, C>A on the plus strand (G>T on the coding strand, the complement: USH2A is on the minus strand). VCF-style: chr1-215758740-C-A. GRCh37 (hg19) VCF-style: chr1-215932082-C-A.
Other names: short protein forms K3748N.
Identifiers: ClinVar variation 999178 (VCV000999178.6), dbSNP rs757908289, ClinGen allele CA1393779.
Genomic context (GRCh38, chr1:215,758,740, plus strand): 5'-AGGTGTTTGAACAATGTAATCATCACTAGCACTGCTGCCACCTCCAGTTTTGACTTCTAA[C>A]TTGTAAGTGTATCTATATTTAAAAAGAAAGAAGAATTGTGGTAAGGCCATGCACAAGAGA-3'
Protein context (NP_996816.3, residues 3738-3758): NLEPNSRYTY[Lys3748Asn]LEVKTGGGSS